The following is an entry in ClinVar:

NM_000191.3(HMGCL):c.308_317dup (p.Thr107fs)

Gene: HMGCL (3-hydroxy-3-methylglutaryl-CoA lyase; minus strand). Cytogenetic location: 1p36.11.
Variant type: Duplication.
Coding change: c.308_317dup on transcript NM_000191.3 (MANE Select); coding-DNA positions 308 to 317, 10 bases duplicated (ACCCAGTCCT; older notation c.308_317dupACCCAGTCCT).
Protein change: p.Thr107fs; shifts the reading frame from threonine 107.
Molecular consequence: frameshift variant.
Genome position (GRCh38, 1-based): chr1:23,816,706-23,816,715, AGGACTGGGT duplicated on the plus strand (ACCCAGTCCT on the coding strand, the reverse complement: HMGCL is on the minus strand); duplicating any 10 consecutive bases within chr1:23,816,706-23,816,717 gives the same sequence; the c. name uses the placement nearest the transcript's 3' end. VCF-style (leftmost placement, unchanged base first): chr1-23816705-C-CAGGACTGGGT. GRCh37 (hg19) VCF-style: chr1-24143195-C-CAGGACTGGGT.
Other names: c.308_317dup, p.Thr107fs (NM_001166059.2); c.308_317dupACCCAGTCCT (NM_000191.2); short protein forms T107fs.
Identifiers: ClinVar variation 1074299 (VCV001074299.13), dbSNP rs1274176298, ClinGen allele CA521650914.
Genomic context (GRCh38, chr1:23,816,705, plus strand): 5'-GGAGCCCCCACCAACAAGCTATCCTCTTACCGCTGCCTCGAAGCCTTTCAAATTTGGGGT[C>CAGGACTGGGT]AGGACTGGGTAGTTGATGCCAGGAAACTTCTGAATGCCCTTCAAGACTTCAGTGTGGTCA-3'

ClinVar aggregate classification (germline): Pathogenic. Review status: criteria provided, multiple submitters, no conflicts (2 of 4 stars). 4 submissions from 4 submitters: Pathogenic (4). Last evaluated 2024-02-24.

Conditions:
Long chain 3-hydroxyacyl-CoA dehydrogenase deficiency. Also called: Deficiency of long-chain 3-hydroxyacyl-coenzyme A dehydrogenase; LCHAD Deficiency. Identifiers: Orphanet 5, MedGen C3711645, MONDO:0012173, OMIM 609016.
Deficiency of hydroxymethylglutaryl-CoA lyase (HMGCLD). Also called: Defect in leucine metabolism; 3-hydroxy-3-methylglutaric aciduria; HMG-CoA LYASE DEFICIENCY; HMGCL DEFICIENCY; HYDROXYMETHYLGLUTARIC ACIDURIA. Identifiers: Orphanet 20, MedGen C1533587, MONDO:0009520, OMIM 246450.

Submissions (4):

Natera, Inc.
Classification: Pathogenic for Deficiency of long-chain 3-hydroxyacyl-coenzyme A dehydrogenase. Last evaluated: 2024-02-24. Review status: criteria provided, single submitter. Criteria: Natera Variant Classification Schema (03/2026). Collection method: clinical testing. Allele origin: germline.
Comment: The c.308_317dupACCCAGTCCT variant in HMGCL is a frameshift variant predicted to shift the reading frame beginning at codon 107 and leads to a stop codon 48 codons downstream. This variant is expected to result in nonsense mediated decay, truncation, or a dysfunctional protein product. This variant is rare in the general population with a frequency below the threshold expected for the associated phenotype(s). This variant has been observed in one or more individuals affected with the associated recessive disease, as either homozygous or compound heterozygous with a second variant (PMID: 28583327). Given the available evidence, this variant is classified as Pathogenic.

Fulgent Genetics
Classification: Pathogenic for Deficiency of hydroxymethylglutaryl-CoA lyase. Last evaluated: 2024-01-07. Review status: criteria provided, single submitter. Criteria: ACMG Guidelines, 2015. Collection method: clinical testing. Allele origin: germline.

Baylor Genetics
Classification: Pathogenic for Deficiency of hydroxymethylglutaryl-CoA lyase. Last evaluated: 2023-05-25. Review status: criteria provided, single submitter. Criteria: ACMG Guidelines, 2015. Collection method: clinical testing. Allele origin: unknown.

Labcorp Genetics (formerly Invitae), Labcorp
Classification: Pathogenic for Deficiency of hydroxymethylglutaryl-CoA lyase. Last evaluated: 2023-04-19. Review status: criteria provided, single submitter. Criteria: Invitae Variant Classification Sherloc (09022015). Collection method: clinical testing. Allele origin: germline.
Comment: This variant is present in population databases (no rsID available, gnomAD 0.01%). For these reasons, this variant has been classified as Pathogenic. ClinVar contains an entry for this variant (Variation ID: 1074299). This premature translational stop signal has been observed in individual(s) with HMG-CoA lyase deficiency (PMID: 28583327). This sequence change creates a premature translational stop signal (p.Thr107Profs*48) in the HMGCL gene. It is expected to result in an absent or disrupted protein product. Loss-of-function variants in HMGCL are known to be pathogenic (PMID: 9817922, 17692550, 23465862).

Literature cited by the submitters: PubMed 28583327 (cited by Natera, Inc. and Labcorp Genetics (formerly Invitae), Labcorp); PubMed 9817922 (cited by Labcorp Genetics (formerly Invitae), Labcorp); PubMed 17692550 (cited by Labcorp Genetics (formerly Invitae), Labcorp); PubMed 23465862 (cited by Labcorp Genetics (formerly Invitae), Labcorp).